The following is an entry in ClinVar:

NM_001807.6(CEL):c.1846C>A (p.Pro616Thr)

Gene: CEL (carboxyl ester lipase; plus strand). Cytogenetic location: 9q34.13.
Variant type: single nucleotide variant.
Coding change: c.1846C>A on transcript NM_001807.6 (MANE Select); coding-DNA position 1846, C replaced by A.
Protein change: p.Pro616Thr; replaces proline 616 with threonine.
Molecular consequence: missense variant.
Genome position (GRCh38, 1-based): chr9:133,071,348, C>A. VCF-style: chr9-133071348-C-A. GRCh37 (hg19) VCF-style: chr9-135946735-C-A.
Other names: short protein forms P616T.
Identifiers: ClinVar variation 3239195 (VCV003239195.19), dbSNP rs1194312040.

ClinVar aggregate classification (germline): Benign (1 of 4 stars; one submission).

Allele frequency attached by ClinVar (database versions not stated): gnomAD 0.00057.

Submission:

CeGaT Center for Human Genetics Tuebingen
Classification: Benign. Last evaluated: 2024-05-01. Review status: criteria provided, single submitter. Criteria: CeGaT Center For Human Genetics Tuebingen Variant Classification Criteria Version 2. Collection method: clinical testing. Allele origin: germline. Affected: yes. Observed: 1 variant allele.
Comment: CEL: BS1, BS2